The following is an entry in ClinVar:

ClinVar aggregate classification (germline): Uncertain significance (1 of 4 stars; one submission).

Conditions:
Inborn genetic diseases. Identifiers: MedGen C0950123, MeSH D030342.

Allele frequency attached by ClinVar (database versions not stated): gnomAD exomes 0.00001.
gnomAD v4.1: 3 of 1,613,396 alleles (0.00019%); highest among the groups gnomAD compares: Non-Finnish European, 0.00025%; no homozygotes.

Submission:

Ambry Genetics
Classification: Uncertain significance for Inborn genetic diseases. Last evaluated: 2025-07-31. Review status: criteria provided, single submitter. Criteria: Ambry Variant Classification Scheme 2023. Collection method: clinical testing. Allele origin: germline.
Comment: The p.E834K variant (also known as c.2500G>A), located in coding exon 22 of the ANKRD26 gene, results from a G to A substitution at nucleotide position 2500. The glutamic acid at codon 834 is replaced by lysine, an amino acid with similar properties. This amino acid position is conserved. In addition, this alteration is predicted to be tolerated by in silico analysis. Based on the available evidence, the clinical significance of this variant remains unclear.

NM_014915.3(ANKRD26):c.2500G>A (p.Glu834Lys)

Gene: ANKRD26 (ankyrin repeat domain containing 26; minus strand). Cytogenetic location: 10p12.1.
Variant type: single nucleotide variant.
Coding change: c.2500G>A on transcript NM_014915.3 (MANE Select); coding-DNA position 2500, G replaced by A.
Protein change: p.Glu834Lys; replaces glutamic acid 834 with lysine.
Molecular consequence: missense variant.
Genome position (GRCh38, 1-based): chr10:27,037,930, C>T on the plus strand (G>A on the coding strand, the complement: ANKRD26 is on the minus strand). VCF-style: chr10-27037930-C-T. GRCh37 (hg19) VCF-style: chr10-27326859-C-T.
Other names: c.2497G>A, p.Glu833Lys (NM_001256053.2); short protein forms E833K, E834K.
Identifiers: ClinVar variation 3124327 (VCV003124327.2), dbSNP rs2054096698, ClinGen allele CA376366619.